The following is an entry in ClinVar:

NM_000350.3(ABCA4):c.2653+2del

Gene: ABCA4 (ATP binding cassette subfamily A member 4; minus strand). Cytogenetic location: 1p22.1.
Variant type: Deletion.
Coding change: c.2653+2del on transcript NM_000350.3 (MANE Select); the canonical splice donor site of the intron after coding-DNA position 2653, one base deleted (T; older notation c.2653+2delT).
Molecular consequence: splice donor variant.
Genome position (GRCh38, 1-based): chr1:94,051,631, A deleted on the plus strand (T on the coding strand, the reverse complement: ABCA4 is on the minus strand). VCF-style (leftmost placement, unchanged base first): chr1-94051630-CA-C. GRCh37 (hg19) VCF-style: chr1-94517186-CA-C.
Other names: c.2653+2delT (NM_000350.3).
Identifiers: ClinVar variation 1678618 (VCV001678618.6), dbSNP rs766646086, ClinGen allele CA958209.

ClinVar aggregate classification (germline): Conflicting classifications of pathogenicity. Review status: criteria provided, conflicting classifications (1 of 4 stars). 3 submissions from 3 submitters: Likely pathogenic (2); Uncertain significance (1). Last evaluated 2024-09-10.

Conditions:
ABCA4-related disorder. Also called: ABCA4-related condition; ABCA4-related disorders. Identifiers: MedGen CN239167.
Severe early-childhood-onset retinal dystrophy (STGD1). Also called: Stargardt macular dystrophy; Juvenile onset macular degeneration; Stargardt disease 1; MACULAR DYSTROPHY WITH FLECKS, TYPE 1; STGD. Identifiers: Orphanet 364055, Orphanet 827, MedGen C1855465, MeSH D000080362, MONDO:0009549, OMIM 248200.

Allele frequency attached by ClinVar (database versions not stated): ExAC 0.00001; gnomAD exomes below 0.00001.

Submissions (3):

Blueprint Genetics
Classification: Likely pathogenic for ABCA4-related disorders. Last evaluated: 2024-09-10. Review status: criteria provided, single submitter. Criteria: ACMG Guidelines, 2015. Collection method: clinical testing. Allele origin: germline. Affected: yes. Observed: 2 variant alleles.

Labcorp Genetics (formerly Invitae), Labcorp
Classification: Likely pathogenic. Last evaluated: 2023-12-05. Review status: criteria provided, single submitter. Criteria: Invitae Variant Classification Sherloc (09022015). Collection method: clinical testing. Allele origin: germline.
Comment: This sequence change affects a splice site in intron 17 of the ABCA4 gene. It is expected to disrupt RNA splicing. Variants that disrupt the donor or acceptor splice site typically lead to a loss of protein function (PMID: 16199547), and loss-of-function variants in ABCA4 are known to be pathogenic (PMID: 10958761, 24938718, 25312043, 26780318). This variant is present in population databases (rs766646086, gnomAD 0.006%). This variant has not been reported in the literature in individuals affected with ABCA4-related conditions. ClinVar contains an entry for this variant (Variation ID: 1678618). Algorithms developed to predict the effect of sequence changes on RNA splicing suggest that this variant may disrupt the consensus splice site. In summary, the currently available evidence indicates that the variant is pathogenic, but additional data are needed to prove that conclusively. Therefore, this variant has been classified as Likely Pathogenic.

Molecular Genetics, Royal Melbourne Hospital
Classification: Uncertain significance for Severe early-childhood-onset retinal dystrophy. Last evaluated: 2023-03-30. Review status: criteria provided, single submitter. Criteria: ACMG Guidelines, 2015. Collection method: clinical testing. Allele origin: germline. Affected: yes.
Comment: This sequence change affects the canonical donor splice site in intron 17 of ABCA4. It is expected to disrupt RNA splicing and likely results in in-frame exon 17 skipping (66 bp deletion). This is predicted to remove 22 residues (p.(Asp864_Gly885del)) from the NBD1 domain, but it is unknown if the deleted region would be critical to function (PVS1_Moderate; PMID: 16533065, 23144455). The variant is present in a single individual in a large population cohort, which is consistent with a recessive disease (PM2; 1/251,358 alleles in gnomAD v2.1). Based on the classification scheme RMH ACMG Guidelines v1.2.1, this variant is classified as a VARIANT OF UNCERTAIN SIGNIFICANCE. Following criteria are met: PVS1_Moderate, PM2, PM3_Supporting.

Literature cited by the submitters: PubMed 16199547 (cited by Labcorp Genetics (formerly Invitae), Labcorp); PubMed 10958761 (cited by Labcorp Genetics (formerly Invitae), Labcorp); PubMed 24938718 (cited by Labcorp Genetics (formerly Invitae), Labcorp); PubMed 25312043 (cited by Labcorp Genetics (formerly Invitae), Labcorp); PubMed 26780318 (cited by Labcorp Genetics (formerly Invitae), Labcorp); PubMed 16533065 (cited by Molecular Genetics, Royal Melbourne Hospital); PubMed 23144455 (cited by Molecular Genetics, Royal Melbourne Hospital).